The following is an entry in ClinVar:

NM_003672.4(CDC14A):c.613C>T (p.Pro205Ser)

Gene: CDC14A (cell division cycle 14A; plus strand). Cytogenetic location: 1p21.2.
Variant type: single nucleotide variant.
Coding change: c.613C>T on transcript NM_003672.4 (MANE Select); coding-DNA position 613, C replaced by T.
Protein change: p.Pro205Ser; replaces proline 205 with serine.
Molecular consequence: missense variant. On other transcripts: 5 prime UTR variant (1).
Genome position (GRCh38, 1-based): chr1:100,462,656, C>T. VCF-style: chr1-100462656-C-T. GRCh37 (hg19) VCF-style: chr1-100928212-C-T.
Other names: c.613C>T, p.Pro205Ser (NM_001319210.2, NM_033312.3, NM_033313.3); c.439C>T, p.Pro147Ser (NM_001319211.2); c.-267C>T (NM_001319212.2); short protein forms P147S, P205S.
Identifiers: ClinVar variation 1939595 (VCV001939595.5), dbSNP rs770444508, ClinGen allele CA970658.

ClinVar aggregate classification (germline): Uncertain significance (1 of 4 stars; one submission).

Allele frequency attached by ClinVar (database versions not stated): ExAC 0.00001; gnomAD 0.00001; gnomAD exomes 0.00001; TOPMed 0.00001.
gnomAD v4.1: 4 of 1,613,202 alleles (0.00025%); highest among the groups gnomAD compares: Admixed American, 0.0067%; no homozygotes.

Submission:

Labcorp Genetics (formerly Invitae), Labcorp
Classification: Uncertain significance. Last evaluated: 2022-05-04. Review status: criteria provided, single submitter. Criteria: Invitae Variant Classification Sherloc (09022015). Collection method: clinical testing. Allele origin: germline.
Comment: Algorithms developed to predict the effect of missense changes on protein structure and function are either unavailable or do not agree on the potential impact of this missense change (SIFT: "Tolerated"; PolyPhen-2: "Possibly Damaging"; Align-GVGD: "Class C0"). This variant has not been reported in the literature in individuals affected with CDC14A-related conditions. This variant is present in population databases (rs770444508, gnomAD 0.003%). This sequence change replaces proline, which is neutral and non-polar, with serine, which is neutral and polar, at codon 205 of the CDC14A protein (p.Pro205Ser). In summary, the available evidence is currently insufficient to determine the role of this variant in disease. Therefore, it has been classified as a Variant of Uncertain Significance.